The following is an entry in ClinVar:

NM_001379500.1(COL18A1):c.1262C>T (p.Pro421Leu)

Gene: COL18A1 (collagen type XVIII alpha 1 chain; plus strand). Cytogenetic location: 21q22.3.
Variant type: single nucleotide variant.
Coding change: c.1262C>T on transcript NM_001379500.1 (MANE Select); coding-DNA position 1262, C replaced by T.
Protein change: p.Pro421Leu; replaces proline 421 with leucine.
Molecular consequence: missense variant.
Genome position (GRCh38, 1-based): chr21:45,479,915, C>T. VCF-style: chr21-45479915-C-T. GRCh37 (hg19) VCF-style: chr21-46899829-C-T.
Other names: c.1802C>T, p.Pro601Leu (NM_030582.4); c.2507C>T, p.Pro836Leu (NM_130444.3); short protein forms P836L, P421L, P601L.
Identifiers: ClinVar variation 1910271 (VCV001910271.2), dbSNP rs770244357, ClinGen allele CA10066213.

ClinVar aggregate classification (germline): Uncertain significance (1 of 4 stars; one submission).

Allele frequency attached by ClinVar (database versions not stated): TOPMed below 0.00001; ExAC 0.00001; gnomAD 0.00001; gnomAD exomes 0.00001.
gnomAD v4.1: 20 of 1,613,634 alleles (0.0012%); highest among the groups gnomAD compares: South Asian, 0.022%; no homozygotes.

Submission:

Labcorp Genetics (formerly Invitae), Labcorp
Classification: Uncertain significance. Last evaluated: 2022-08-23. Review status: criteria provided, single submitter. Criteria: Invitae Variant Classification Sherloc (09022015). Collection method: clinical testing. Allele origin: germline.
Comment: This sequence change replaces proline, which is neutral and non-polar, with leucine, which is neutral and non-polar, at codon 421 of the COL18A1 protein (p.Pro421Leu). This variant is present in population databases (rs770244357, gnomAD 0.02%). This variant has not been reported in the literature in individuals affected with COL18A1-related conditions. Experimental studies and prediction algorithms are not available or were not evaluated, and the functional significance of this variant is currently unknown. In summary, the available evidence is currently insufficient to determine the role of this variant in disease. Therefore, it has been classified as a Variant of Uncertain Significance.